The following is an entry in ClinVar:

NM_016816.4(OAS1):c.905C>T (p.Ala302Val)

Gene: OAS1 (2'-5'-oligoadenylate synthetase 1; plus strand). Cytogenetic location: 12q24.13.
Variant type: single nucleotide variant.
Coding change: c.905C>T on transcript NM_016816.4 (MANE Select); coding-DNA position 905, C replaced by T.
Protein change: p.Ala302Val; replaces alanine 302 with valine.
Molecular consequence: missense variant.
Genome position (GRCh38, 1-based): chr12:112,917,567, C>T. VCF-style: chr12-112917567-C-T. GRCh37 (hg19) VCF-style: chr12-113355372-C-T.
Other names: c.905C>T, p.Ala302Val (NM_001032409.3, NM_001320151.2, NM_001406022.1 and 2 more transcripts); c.881C>T, p.Ala294Val (NM_001406020.1, NM_001406021.1, NM_001406023.1 and 2 more transcripts); c.431C>T, p.Ala144Val (NM_001406026.1, NM_001406027.1, NM_001406029.1 and 1 more transcripts); c.905C>T (NM_016816.2); short protein forms A302V, A294V, A144V.
Identifiers: ClinVar variation 2194276 (VCV002194276.15), dbSNP rs373282263, ClinGen allele CA6799937.

ClinVar aggregate classification (germline): Conflicting classifications of pathogenicity. Review status: criteria provided, conflicting classifications (1 of 4 stars). 3 submissions from 3 submitters: Uncertain significance (1); Benign (1); Likely benign (1). Last evaluated 2025-09-11.

Allele frequency attached by ClinVar (database versions not stated): gnomAD exomes 0.00002; ExAC 0.00005; ESP Exome Variant Server 0.00008.

Submissions (3):

Ambry Genetics
Classification: Uncertain significance. Last evaluated: 2025-09-11. Review status: criteria provided, single submitter. Criteria: Ambry Variant Classification Scheme 2023. Collection method: clinical testing. Allele origin: germline.

Labcorp Genetics (formerly Invitae), Labcorp
Classification: Benign. Last evaluated: 2025-07-22. Review status: criteria provided, single submitter. Criteria: Invitae Variant Classification Sherloc (09022015). Collection method: clinical testing. Allele origin: germline.

CeGaT Center for Human Genetics Tuebingen
Classification: Likely benign. Last evaluated: 2025-05-01. Review status: criteria provided, single submitter. Criteria: CeGaT Center For Human Genetics Tuebingen Variant Classification Criteria Version 2. Collection method: clinical testing. Allele origin: germline. Affected: yes. Observed: 1 variant allele.
Comment: OAS1: BP4, BP5